The following is an entry in ClinVar:

ClinVar aggregate classification (germline): not provided (0 of 4 stars; one submission).

Conditions:
FG syndrome 1 (OKS). Also called: OPITZ-KAVEGGIA SYNDROME; KELLER SYNDROME; MENTAL RETARDATION, LARGE HEAD, IMPERFORATE ANUS, CONGENITAL HYPOTONIA, AND PARTIAL AGENESIS OF CORPUS CALLOSUM; FG Syndrome Type 1 (FGS1). Identifiers: Orphanet 93932, MedGen C5399762, MONDO:0010590, OMIM 305450.

Submission:

GeneReviews
No classification provided. Condition: FG syndrome. Review status: no classification provided. Collection method: literature only. Allele origin: germline.

Literature cited by the submitters: PubMed 33244166; PubMed 20301719.

NM_005120.3(MED12):c.2207_2210del (p.Thr736fs)

Gene: MED12 (mediator complex subunit 12; plus strand). Cytogenetic location: Xq13.1.
Variant type: Deletion.
Coding change: c.2207_2210del on transcript NM_005120.3 (MANE Select); coding-DNA positions 2207 to 2210, 4 bases deleted (CCCA; older notation c.2207_2210delCCCA).
Protein change: p.Thr736fs; shifts the reading frame from threonine 736.
Molecular consequence: frameshift variant.
Genome position (GRCh38, 1-based): chrX:71,125,127-71,125,130, CCCA deleted; deleting any 4 consecutive bases within chrX:71,125,124-71,125,130 gives the same sequence; the c. name uses the placement nearest the transcript's 3' end. VCF-style (leftmost placement, unchanged base first): chrX-71125123-GCCAC-G. GRCh37 (hg19) VCF-style: chrX-70344973-GCCAC-G.
Other names: short protein forms T736fs.
Identifiers: ClinVar variation 1210233 (VCV001210233.2), dbSNP rs2147791922, ClinGen allele CA2499226838.